The following is an entry in ClinVar:

ClinVar aggregate classification (germline): Likely benign. Review status: criteria provided, multiple submitters, no conflicts (2 of 4 stars). 3 submissions from 3 submitters: Likely benign (3). Last evaluated 2026-07-01.

Allele frequency attached by ClinVar (database versions not stated): ExAC 0.00341; ESP Exome Variant Server 0.00354; gnomAD 0.00371; 1000 Genomes Project 0.00180; 1000 Genomes Project 30x 0.00219.
gnomAD v4.1: 7,419 of 1,601,952 alleles (0.46%); highest among the groups gnomAD compares: Middle Eastern, 0.98%; 30 homozygotes.

Submissions (8):

CeGaT Center for Human Genetics Tuebingen
Classification: Likely benign. Last evaluated: 2026-07-01. Review status: criteria provided, single submitter. Criteria: CeGaT Center For Human Genetics Tuebingen Variant Classification Criteria Version 2. Collection method: clinical testing. Allele origin: germline. Affected: yes. Observed: 6 variant alleles.
Comment: CIB2: BS2

GeneDx
Classification: Likely benign. Last evaluated: 2020-07-14. Review status: criteria provided, single submitter. Criteria: GeneDx Variant Classification Process June 2021. Collection method: clinical testing. Allele origin: germline. Affected: yes.

Breakthrough Genomics
Classification: Likely benign. Review status: criteria provided, single submitter. Criteria: ACMG Guidelines, 2015. Collection method: not provided. Allele origin: germline. Inheritance: Autosomal recessive inheritance. Affected: yes.

Dr. Peter K. Rogan Lab, Western University
No classification provided (evidence only). Condition: Cervical cancer. Review status: no classification provided. Collection method: in vitro. Allele origin: not applicable. Functional consequence: skipped exon. Not counted in ClinVar's aggregate classification.

Dr. Peter K. Rogan Lab, Western University
No classification provided (evidence only). Condition: Sarcoma. Review status: no classification provided. Collection method: in vitro. Allele origin: not applicable. Functional consequence: retained intron. Not counted in ClinVar's aggregate classification.

Dr. Peter K. Rogan Lab, Western University
No classification provided (evidence only). Condition: Cholangiocarcinoma. Review status: no classification provided. Collection method: in vitro. Allele origin: not applicable. Functional consequence: skipped exon. Not counted in ClinVar's aggregate classification.

Dr. Peter K. Rogan Lab, Western University
No classification provided (evidence only). Condition: Uveal melanoma. Review status: no classification provided. Collection method: in vitro. Allele origin: not applicable. Functional consequence: skipped exon, retained intron. Not counted in ClinVar's aggregate classification.

Dr. Peter K. Rogan Lab, Western University
No classification provided (evidence only). Condition: Malignant tumor of esophagus. Review status: no classification provided. Collection method: in vitro. Allele origin: not applicable. Functional consequence: retained intron. Not counted in ClinVar's aggregate classification.

NM_006383.4(CIB2):c.198+24C>T

Gene: CIB2 (calcium and integrin binding family member 2; minus strand). Cytogenetic location: 15q25.1.
Variant type: single nucleotide variant.
Coding change: c.198+24C>T on transcript NM_006383.4 (MANE Select); 24 bases into the intron after coding-DNA position 198, C replaced by T.
Molecular consequence: intron variant.
Genome position (GRCh38, 1-based): chr15:78,111,141, G>A on the plus strand (C>T on the coding strand, the complement: CIB2 is on the minus strand). VCF-style: chr15-78111141-G-A. GRCh37 (hg19) VCF-style: chr15-78403483-G-A.
Other names: NC_000015.9:g.78403483G>A; c.52-1759C>T (NM_001271889.2); c.69+24C>T (NM_001271888.2); c.87-1632C>T (NM_001301224.2).
Identifiers: ClinVar variation 1186582 (VCV001186582.17), dbSNP rs142130860, ClinGen allele CA7680306.